The following is an entry in ClinVar:

NM_004444.5(EPHB4):c.1438A>G (p.Ser480Gly)

Gene: EPHB4 (EPH receptor B4; minus strand). Cytogenetic location: 7q22.1.
Variant type: single nucleotide variant.
Coding change: c.1438A>G on transcript NM_004444.5 (MANE Select); coding-DNA position 1438, A replaced by G.
Protein change: p.Ser480Gly; replaces serine 480 with glycine.
Molecular consequence: missense variant.
Genome position (GRCh38, 1-based): chr7:100,817,342, T>C on the plus strand (A>G on the coding strand, the complement: EPHB4 is on the minus strand). VCF-style: chr7-100817342-T-C. GRCh37 (hg19) VCF-style: chr7-100414964-T-C.
Other names: short protein forms S480G.
Identifiers: ClinVar variation 1896927 (VCV001896927.5), dbSNP rs748460098, ClinGen allele CA4392978.

ClinVar aggregate classification (germline): Uncertain significance (1 of 4 stars; one submission).

Allele frequency attached by ClinVar (database versions not stated): gnomAD exomes below 0.00001; ExAC 0.00003.
gnomAD v4.1: 2 of 1,576,456 alleles (0.00013%); highest among the groups gnomAD compares: East Asian, 0.0047%; no homozygotes.

Submission:

Labcorp Genetics (formerly Invitae), Labcorp
Classification: Uncertain significance. Last evaluated: 2022-07-21. Review status: criteria provided, single submitter. Criteria: Invitae Variant Classification Sherloc (09022015). Collection method: clinical testing. Allele origin: germline.
Comment: Algorithms developed to predict the effect of missense changes on protein structure and function are either unavailable or do not agree on the potential impact of this missense change (SIFT: "Deleterious"; PolyPhen-2: "Benign"; Align-GVGD: "Class C55"). This variant has not been reported in the literature in individuals affected with EPHB4-related conditions. This variant is present in population databases (rs748460098, gnomAD 0.02%). This sequence change replaces serine, which is neutral and polar, with glycine, which is neutral and non-polar, at codon 480 of the EPHB4 protein (p.Ser480Gly). In summary, the available evidence is currently insufficient to determine the role of this variant in disease. Therefore, it has been classified as a Variant of Uncertain Significance.